The following is an entry in ClinVar:

NM_000271.5(NPC1):c.1549G>A (p.Val517Ile)

Gene: NPC1 (NPC intracellular cholesterol transporter 1; minus strand). Cytogenetic location: 18q11.2.
Variant type: single nucleotide variant.
Coding change: c.1549G>A on transcript NM_000271.5 (MANE Select); coding-DNA position 1549, G replaced by A.
Protein change: p.Val517Ile; replaces valine 517 with isoleucine.
Molecular consequence: missense variant.
Genome position (GRCh38, 1-based): chr18:23,554,762, C>T on the plus strand (G>A on the coding strand, the complement: NPC1 is on the minus strand). VCF-style: chr18-23554762-C-T. GRCh37 (hg19) VCF-style: chr18-21134726-C-T.
Other names: c.1549G>A (NM_000271.4); short protein forms V517I.
Identifiers: ClinVar variation 596971 (VCV000596971.15), dbSNP rs201791992, ClinGen allele CA8913448.

ClinVar aggregate classification (germline): Conflicting classifications of pathogenicity. Review status: criteria provided, conflicting classifications (1 of 4 stars). 3 submissions from 3 submitters: Uncertain significance (1); Likely benign (1). 1 of the submissions does not count toward it. Last evaluated 2025-12-19.

Conditions:
NPC1-related disorder. Also called: NPC1-related condition.
Niemann-Pick disease, type C1. Also called: NEUROVISCERAL STORAGE DISEASE WITH VERTICAL SUPRANUCLEAR OPHTHALMOPLEGIA; NIEMANN-PICK DISEASE WITH CHOLESTEROL ESTERIFICATION BLOCK; NIEMANN-PICK DISEASE WITHOUT SPHINGOMYELINASE DEFICIENCY; NIEMANN-PICK DISEASE, CHRONIC NEURONOPATHIC FORM; NIEMANN-PICK DISEASE, VARIANT TYPE C1. Identifiers: Orphanet 646, MedGen C3179455, MONDO:0009757, OMIM 257220.

Allele frequency attached by ClinVar (database versions not stated): TOPMed 0.00007; ExAC 0.00009; 1000 Genomes Project 30x 0.00047; 1000 Genomes Project 0.00060.
gnomAD v4.1: 53 of 1,612,630 alleles (0.0033%); highest among the groups gnomAD compares: East Asian, 0.033%; 1 homozygote.

Submissions (3):

Labcorp Genetics (formerly Invitae), Labcorp
Classification: Likely benign for Niemann-Pick disease, type C1. Last evaluated: 2025-12-19. Review status: criteria provided, single submitter. Criteria: Invitae Variant Classification Sherloc (09022015). Collection method: clinical testing. Allele origin: germline.

Eurofins Ntd Llc (ga)
Classification: Uncertain significance. Last evaluated: 2018-04-24. Review status: criteria provided, single submitter. Criteria: EGL ClinVar v180209 classification definitions. Collection method: clinical testing. Allele origin: germline. Observed: 2 variant alleles, 2 heterozygotes.

PreventionGenetics, part of Exact Sciences
Classification: Uncertain significance for NPC1-related condition. Last evaluated: 2024-09-09. Review status: no assertion criteria provided. Collection method: clinical testing. Allele origin: germline. Not counted in ClinVar's aggregate classification.
Comment: The NPC1 c.1549G>A variant is predicted to result in the amino acid substitution p.Val517Ile. This variant has been reported as benign in an exome sequencing study (Wassif et al. 2016. PubMed ID: 25764212). This variant is reported in 0.071% of alleles in individuals of East Asian descent in gnomAD. Although we suspect that this variant may be benign, at this time, the clinical significance of this variant is uncertain due to the absence of conclusive functional and genetic evidence.